The following is an entry in ClinVar:

ClinVar aggregate classification (germline): Conflicting classifications of pathogenicity. Review status: criteria provided, conflicting classifications (1 of 4 stars). 2 submissions from 2 submitters: Uncertain significance (1); Likely benign (1). Last evaluated 2025-09-07.

Conditions:
Inborn genetic diseases. Identifiers: MedGen C0950123, MeSH D030342.
Baller-Gerold syndrome (BGS). Also called: CRANIOSYNOSTOSIS WITH RADIAL DEFECTS. Identifiers: Orphanet 1225, MedGen C0265308, MONDO:0009039, OMIM 218600.

Allele frequency attached by ClinVar (database versions not stated): gnomAD exomes below 0.00001.

Submissions (2):

Ambry Genetics
Classification: Likely benign for Inborn genetic diseases. Last evaluated: 2025-09-07. Review status: criteria provided, single submitter. Criteria: Ambry Variant Classification Scheme 2023. Collection method: clinical testing. Allele origin: germline.

Labcorp Genetics (formerly Invitae), Labcorp
Classification: Uncertain significance for Baller-Gerold syndrome. Last evaluated: 2023-01-02. Review status: criteria provided, single submitter. Criteria: Invitae Variant Classification Sherloc (09022015). Collection method: clinical testing. Allele origin: germline.
Comment: In summary, the available evidence is currently insufficient to determine the role of this variant in disease. Therefore, it has been classified as a Variant of Uncertain Significance. Algorithms developed to predict the effect of sequence changes on RNA splicing suggest that this variant may disrupt the consensus splice site. Algorithms developed to predict the effect of missense changes on protein structure and function output the following: SIFT: "Not Available"; PolyPhen-2: "Not Available"; Align-GVGD: "Not Available". The glycine amino acid residue is found in multiple mammalian species, which suggests that this missense change does not adversely affect protein function. This variant has not been reported in the literature in individuals affected with RECQL4-related conditions. This variant is not present in population databases (gnomAD no frequency). This sequence change replaces serine, which is neutral and polar, with glycine, which is neutral and non-polar, at codon 27 of the RECQL4 protein (p.Ser27Gly).

NM_004260.4(RECQL4):c.79A>G (p.Ser27Gly)

Genes: RECQL4 (RecQ like helicase 4; minus strand), LOC130001411 (ATAC-STARR-seq lymphoblastoid silent region 19699; plus strand). Cytogenetic location: 8q24.3.
Variant type: single nucleotide variant.
Coding change: c.79A>G on transcript NM_004260.4 (MANE Select); coding-DNA position 79, A replaced by G.
Protein change: p.Ser27Gly; replaces serine 27 with glycine.
Molecular consequence: missense variant. On other transcripts: 5 prime UTR variant (17), non-coding transcript variant (3).
Genome position (GRCh38, 1-based): chr8:144,517,706, T>C on the plus strand (A>G on the coding strand, the complement: RECQL4 is on the minus strand). VCF-style: chr8-144517706-T-C. GRCh37 (hg19) VCF-style: chr8-145743090-T-C.
Other names: c.79A>G (NM_004260.3); c.79A>G, p.Ser27Gly (NM_001413017.1, NM_001413018.1, NM_001413019.1 and 6 more transcripts); c.-707A>G (NM_001413021.1); c.-1058A>G (NM_001413022.1, NM_001413023.1, NM_001413037.1 and 2 more transcripts); c.-955A>G (NM_001413024.1); c.-1055A>G (NM_001413027.1); c.-783A>G (NM_001413028.1); c.-1120A>G (NM_001413030.1, NM_001413031.1, NM_001413041.1); and 5 more; short protein forms S27G.
Identifiers: ClinVar variation 3004158 (VCV003004158.2), dbSNP rs1815426930, ClinGen allele CA372693629.
Genomic context (GRCh38, chr8:144,517,706, plus strand): 5'-AACGCGTCAGCCGCGGGCCGCGCCCTCAGCCCCTCGGCCCCTGGGCAGCCCGCACCTGGC[T>C]CGGTCGCCGCCCGCGCTGCCGTCGGAACGCGCGCTCCCACGCCTGCAGCCGCTCCCGCAC-3'
Protein context (NP_004251.4, residues 17-37): AFRRQRGRRP[Ser27Gly]QDDVEAAPEE